The following is an entry in ClinVar:

ClinVar aggregate classification (germline): Uncertain significance (1 of 4 stars; one submission).

Allele frequency attached by ClinVar (database versions not stated): gnomAD exomes 0.00001; gnomAD 0.00001.
gnomAD v4.1: 8 of 1,551,212 alleles (0.00052%); highest among the groups gnomAD compares: East Asian, 0.0024%; no homozygotes.

Submission:

Labcorp Genetics (formerly Invitae), Labcorp
Classification: Uncertain significance. Last evaluated: 2022-03-04. Review status: criteria provided, single submitter. Criteria: Invitae Variant Classification Sherloc (09022015). Collection method: clinical testing. Allele origin: germline.
Comment: This sequence change replaces serine, which is neutral and polar, with leucine, which is neutral and non-polar, at codon 1458 of the UNC80 protein (p.Ser1458Leu). This variant is present in population databases (rs755493374, gnomAD 0.002%). This variant has not been reported in the literature in individuals affected with UNC80-related conditions. Algorithms developed to predict the effect of missense changes on protein structure and function are either unavailable or do not agree on the potential impact of this missense change (SIFT: "Not Available"; PolyPhen-2: "Probably Damaging"; Align-GVGD: "Not Available"). In summary, the available evidence is currently insufficient to determine the role of this variant in disease. Therefore, it has been classified as a Variant of Uncertain Significance.

NM_001371986.1(UNC80):c.4571C>T (p.Ser1524Leu)

Gene: UNC80 (unc-80 homolog, NALCN channel complex subunit; plus strand). Cytogenetic location: 2q34.
Variant type: single nucleotide variant.
Coding change: c.4571C>T on transcript NM_001371986.1 (MANE Select); coding-DNA position 4571, C replaced by T.
Protein change: p.Ser1524Leu; replaces serine 1524 with leucine.
Molecular consequence: missense variant.
Genome position (GRCh38, 1-based): chr2:209,896,403, C>T. VCF-style: chr2-209896403-C-T. GRCh37 (hg19) VCF-style: chr2-210761127-C-T.
Other names: c.4373C>T, p.Ser1458Leu (NM_032504.2); c.4358C>T, p.Ser1453Leu (NM_182587.4); short protein forms S1524L, S1453L, S1458L.
Identifiers: ClinVar variation 1385123 (VCV001385123.5), dbSNP rs755493374, ClinGen allele CA65037916.
Genomic context (GRCh38, chr2:209,896,403, plus strand): 5'-GCATTGAGCCAGAGGGAATGAGTAATGCCGGCGCGGAGGAGAATTACCACAGAAACATGT[C>T]GTGGCTTCATGTAAGTAGGAATCTCAGAAACAGCCCTGAGATCAATTTCTTTTGGCACTG-3'
Protein context (NP_001358915.1, residues 1514-1534): GAEENYHRNM[Ser1524Leu]WLHVMILLCN